The following is an entry in ClinVar:

NM_005633.4(SOS1):c.2930A>G (p.Gln977Arg)

Gene: SOS1 (SOS Ras/Rac guanine nucleotide exchange factor 1; minus strand). Cytogenetic location: 2p22.1.
Variant type: single nucleotide variant.
Coding change: c.2930A>G on transcript NM_005633.4 (MANE Select); coding-DNA position 2930, A replaced by G.
Protein change: p.Gln977Arg; replaces glutamine 977 with arginine.
Molecular consequence: missense variant.
Genome position (GRCh38, 1-based): chr2:38,997,287, T>C on the plus strand (A>G on the coding strand, the complement: SOS1 is on the minus strand). VCF-style: chr2-38997287-T-C. GRCh37 (hg19) VCF-style: chr2-39224428-T-C.
Other names: c.2909A>G, p.Gln970Arg (NM_001382394.1); c.2930A>G, p.Gln977Arg (NM_001382395.1); short protein forms Q970R, Q977R.
Identifiers: ClinVar variation 1701758 (VCV001701758.3), dbSNP rs2124479522, ClinGen allele CA346361644.

ClinVar aggregate classification (germline): Uncertain significance. Review status: criteria provided, multiple submitters, no conflicts (2 of 4 stars). 4 submissions from 3 submitters: Uncertain significance (4). Last evaluated 2021-12-17.

Conditions:
Fibromatosis, gingival, 1 (GINGF1). Identifiers: Orphanet 2024, MedGen C4551558, MONDO:0007609, OMIM 135300.
Noonan syndrome 4 (NS4). Also called: SOS1-Related Noonan Syndrome; NOONAN SYNDROME WITH PIGMENTED VILLONODULAR SYNOVITIS. Identifiers: Orphanet 648, MedGen C1853120, MONDO:0012547, OMIM 610733.

Submissions (4):

Centre of Medical Genetics, University Hospital Muenster
Classification: Uncertain significance. Last evaluated: 2021-12-17. Review status: criteria provided, single submitter. Criteria: ACMG Guidelines, 2015. Collection method: clinical testing. Allele origin: unknown. Affected: yes. Observed: 1 variant allele, 1 heterozygote.
Comment: ACMG categories: PM1,PM2,PP3

New York Genome Center
Classification: Uncertain significance for Noonan syndrome 4. Last evaluated: 2021-08-27. Review status: criteria provided, single submitter. Criteria: NYGC Assertion Criteria 2020. Collection method: clinical testing. Allele origin: de novo. Observed: 1 heterozygote. Study: CSER-NYCKidSeq.

Genome-Nilou Lab
Classification: Uncertain significance for Noonan syndrome 4. Review status: criteria provided, single submitter. Criteria: ACMG Guidelines, 2015. Collection method: clinical testing. Allele origin: germline.

Genome-Nilou Lab
Classification: Uncertain significance for Fibromatosis, gingival, 1. Review status: criteria provided, single submitter. Criteria: ACMG Guidelines, 2015. Collection method: clinical testing. Allele origin: germline.